The following is an entry in ClinVar:

ClinVar aggregate classification (germline): Likely benign (1 of 4 stars; one submission).

Allele frequency attached by ClinVar (database versions not stated): 1000 Genomes Project 30x 0.00062.

Submission:

CeGaT Center for Human Genetics Tuebingen
Classification: Likely benign. Last evaluated: 2022-04-01. Review status: criteria provided, single submitter. Criteria: CeGaT Center For Human Genetics Tuebingen Variant Classification Criteria Version 2. Collection method: clinical testing. Allele origin: germline. Affected: yes. Observed: 1 variant allele.
Comment: MUC12: BP4, BP7

NM_001164462.2(MUC12):c.13812G>C (p.Ala4604=)

Gene: MUC12 (mucin 12, cell surface associated; plus strand). Cytogenetic location: 7q22.1.
Variant type: single nucleotide variant.
Coding change: c.13812G>C on transcript NM_001164462.2 (MANE Select); coding-DNA position 13812, G replaced by C.
Protein change: p.Ala4604=; no amino-acid change (alanine 4604 retained).
Molecular consequence: synonymous variant.
Genome position (GRCh38, 1-based): chr7:101,004,375, G>C. VCF-style: chr7-101004375-G-C. GRCh37 (hg19) VCF-style: chr7-100647656-G-C.
Identifiers: ClinVar variation 2657825 (VCV002657825.24), dbSNP rs200208357, ClinGen allele CA4400369.